The following is an entry in ClinVar:

ClinVar aggregate classification (germline): Uncertain significance. Review status: criteria provided, multiple submitters, no conflicts (2 of 4 stars). 2 submissions from 2 submitters: Uncertain significance (2). Last evaluated 2024-09-23.

Allele frequency attached by ClinVar (database versions not stated): ExAC 0.00001; gnomAD 0.00004; TOPMed 0.00005; ESP Exome Variant Server 0.00008.
gnomAD v4.1: 22 of 1,611,276 alleles (0.0014%); highest among the groups gnomAD compares: East Asian, 0.0067%; no homozygotes.

Submissions (2):

Labcorp Genetics (formerly Invitae), Labcorp
Classification: Uncertain significance. Last evaluated: 2024-09-23. Review status: criteria provided, single submitter. Criteria: Invitae Variant Classification Sherloc (09022015). Collection method: clinical testing. Allele origin: germline.
Comment: This sequence change replaces threonine, which is neutral and polar, with methionine, which is neutral and non-polar, at codon 835 of the PLEKHM2 protein (p.Thr835Met). This variant is present in population databases (rs371623525, gnomAD 0.006%). This variant has not been reported in the literature in individuals affected with PLEKHM2-related conditions. ClinVar contains an entry for this variant (Variation ID: 1966160). An algorithm developed to predict the effect of missense changes on protein structure and function (PolyPhen-2) suggests that this variant is likely to be disruptive. In summary, the available evidence is currently insufficient to determine the role of this variant in disease. Therefore, it has been classified as a Variant of Uncertain Significance.

Ambry Genetics
Classification: Uncertain significance. Last evaluated: 2024-04-23. Review status: criteria provided, single submitter. Criteria: Ambry Variant Classification Scheme 2023. Collection method: clinical testing. Allele origin: germline.

NM_015164.4(PLEKHM2):c.2504C>T (p.Thr835Met)

Gene: PLEKHM2 (pleckstrin homology and RUN domain containing M2; plus strand). Cytogenetic location: 1p36.21.
Variant type: single nucleotide variant.
Coding change: c.2504C>T on transcript NM_015164.4 (MANE Select); coding-DNA position 2504, C replaced by T.
Protein change: p.Thr835Met; replaces threonine 835 with methionine.
Molecular consequence: missense variant.
Genome position (GRCh38, 1-based): chr1:15,731,927, C>T. VCF-style: chr1-15731927-C-T. GRCh37 (hg19) VCF-style: chr1-16058422-C-T.
Other names: c.2444C>T, p.Thr815Met (NM_001410755.1); c.2504C>T (NM_015164.2); short protein forms T835M, T815M.
Identifiers: ClinVar variation 1966160 (VCV001966160.6), dbSNP rs371623525, ClinGen allele CA617281.